The following is an entry in ClinVar:

ClinVar aggregate classification (germline): Uncertain significance (1 of 4 stars; one submission).

Conditions:
Inborn genetic diseases. Identifiers: MedGen C0950123, MeSH D030342.

gnomAD v4.1: 1 of 1,608,260 alleles (0.000062%); highest among the groups gnomAD compares: Non-Finnish European, 0.000085%; no homozygotes.

Submission:

Ambry Genetics
Classification: Uncertain significance for Inborn genetic diseases. Last evaluated: 2025-06-20. Review status: criteria provided, single submitter. Criteria: Ambry Variant Classification Scheme 2023. Collection method: clinical testing. Allele origin: germline.
Comment: The c.872+3A>G intronic variant results from an A to G substitution 3 nucleotides after coding exon 3 in the WT1 gene. This nucleotide position is highly conserved in available vertebrate species. In silico splice site analysis predicts that this alteration may weaken the native splice donor site. Based on the available evidence, the clinical significance of this variant remains unclear.

NM_024426.6(WT1):c.887+3A>G

Gene: WT1 (WT1 transcription factor; minus strand). Cytogenetic location: 11p13.
Variant type: single nucleotide variant.
Coding change: c.887+3A>G on transcript NM_024426.6 (MANE Select); 3 bases into the intron after coding-DNA position 887, A replaced by G.
Molecular consequence: intron variant.
Genome position (GRCh38, 1-based): chr11:32,427,953, T>C on the plus strand (A>G on the coding strand, the complement: WT1 is on the minus strand). VCF-style: chr11-32427953-T-C. GRCh37 (hg19) VCF-style: chr11-32449499-T-C.
Other names: c.764+3A>G (NM_001407050.1, NM_001407047.1); c.887+3A>G (NM_001407048.1, NM_001407049.1, NM_000378.6 and 4 more transcripts); c.668+3A>G (NM_001429034.1, NM_001429033.1, NM_001429032.1 and 1 more transcripts); c.125+3A>G (NM_001407051.1); c.236+3A>G (NM_001198552.2, NM_001198551.2).
Identifiers: ClinVar variation 4202215 (VCV004202215.1).